The following is an entry in ClinVar:

NM_021224.6(ZNF462):c.5714C>T (p.Ala1905Val)

Gene: ZNF462 (zinc finger protein 462; plus strand). Cytogenetic location: 9q31.2.
Variant type: single nucleotide variant.
Coding change: c.5714C>T on transcript NM_021224.6 (MANE Select); coding-DNA position 5714, C replaced by T.
Protein change: p.Ala1905Val; replaces alanine 1905 with valine.
Molecular consequence: missense variant. On other transcripts: intron variant (1).
Genome position (GRCh38, 1-based): chr9:106,929,626, C>T. VCF-style: chr9-106929626-C-T. GRCh37 (hg19) VCF-style: chr9-109691907-C-T.
Other names: c.3253-899C>T (NM_001347997.2); short protein forms A1905V.
Identifiers: ClinVar variation 4688362 (VCV004688362.1).
Genomic context (GRCh38, chr9:106,929,626, plus strand): 5'-CCCGCTTGCAGAACTCCACCTACCAGTGTAAGCACTGTGATAGCAAACTGCAAAGCACAG[C>T]CGAGCTGACCTCACACTTGAACATTCACAATGAGGAATTCCAGAAGCGTGCCAAACGTCA-3'
Protein context (NP_067047.4, residues 1895-1915): KHCDSKLQST[Ala1905Val]ELTSHLNIHN

ClinVar aggregate classification (germline): Uncertain significance (1 of 4 stars; one submission).

gnomAD v4.1: 5 of 1,614,190 alleles (0.00031%); highest among the groups gnomAD compares: Non-Finnish European, 0.00042%; no homozygotes.

Submission:

Women's Health and Genetics/Laboratory Corporation of America, LabCorp
Classification: Uncertain significance. Last evaluated: 2025-12-30. Review status: criteria provided, single submitter. Criteria: LabCorp Variant Classification Summary - May 2015. Collection method: clinical testing. Allele origin: germline.
Comment: Variant summary: ZNF462 c.5714C>T (p.Ala1905Val) results in a non-conservative amino acid change in the encoded protein sequence. Algorithms developed to predict the effect of missense changes on protein structure and function are either unavailable or do not agree on the potential impact of this missense change. The variant allele was found at a frequency of 8e-06 in 251264 control chromosomes. The available data on variant occurrences in the general population are insufficient to allow any conclusion about variant significance. To our knowledge, no occurrence of c.5714C>T in individuals affected with ZNF462-related conditions and no experimental evidence demonstrating its impact on protein function have been reported. No submitters have cited clinical-significance assessments for this variant to ClinVar. Based on the evidence outlined above, the variant was classified as uncertain significance.